The following is an entry in ClinVar:

NM_015158.5(KANK1):c.975T>A (p.Ser325Arg)

Gene: KANK1 (KN motif and ankyrin repeat domains 1; plus strand). Cytogenetic location: 9p24.3.
Variant type: single nucleotide variant.
Coding change: c.975T>A on transcript NM_015158.5 (MANE Select); coding-DNA position 975, T replaced by A.
Protein change: p.Ser325Arg; replaces serine 325 with arginine.
Molecular consequence: missense variant. On other transcripts: non-coding transcript variant (1).
Genome position (GRCh38, 1-based): chr9:711,741, T>A. VCF-style: chr9-711741-T-A. GRCh37 (hg19) VCF-style: chr9-711741-T-A.
Other names: c.975T>A, p.Ser325Arg (NM_001256876.3, NM_001256877.3, NM_001354331.2 and 2 more transcripts); c.501T>A, p.Ser167Arg (NM_001354333.2, NM_001354335.2, NM_001354336.2 and 9 more transcripts); short protein forms S325R, S167R.
Identifiers: ClinVar variation 1463759 (VCV001463759.6), dbSNP rs1354509417, ClinGen allele CA372747256.

ClinVar aggregate classification (germline): Uncertain significance (1 of 4 stars; one submission).

Allele frequency attached by ClinVar (database versions not stated): gnomAD exomes below 0.00001; gnomAD 0.00001.
gnomAD v4.1: 4 of 1,613,988 alleles (0.00025%); highest among the groups gnomAD compares: Admixed American, 0.005%; no homozygotes.

Submission:

Labcorp Genetics (formerly Invitae), Labcorp
Classification: Uncertain significance. Last evaluated: 2024-03-18. Review status: criteria provided, single submitter. Criteria: Invitae Variant Classification Sherloc (09022015). Collection method: clinical testing. Allele origin: germline.
Comment: This sequence change replaces serine, which is neutral and polar, with arginine, which is basic and polar, at codon 325 of the KANK1 protein (p.Ser325Arg). This variant is present in population databases (no rsID available, gnomAD 0.1%). This variant has not been reported in the literature in individuals affected with KANK1-related conditions. ClinVar contains an entry for this variant (Variation ID: 1463759). Advanced modeling of protein sequence and biophysical properties (such as structural, functional, and spatial information, amino acid conservation, physicochemical variation, residue mobility, and thermodynamic stability) performed at Invitae indicates that this missense variant is expected to disrupt KANK1 protein function with a positive predictive value of 80%. In summary, the available evidence is currently insufficient to determine the role of this variant in disease. Therefore, it has been classified as a Variant of Uncertain Significance.